The following is an entry in ClinVar:

ClinVar aggregate classification (germline): Uncertain significance. Review status: criteria provided, multiple submitters, no conflicts (2 of 4 stars). 2 submissions from 2 submitters: Uncertain significance (2). Last evaluated 2025-01-15.

Conditions:
Inborn genetic diseases. Identifiers: MedGen C0950123, MeSH D030342.

Allele frequency attached by ClinVar (database versions not stated): ExAC 0.00001; TOPMed 0.00001; ESP Exome Variant Server 0.00008.
gnomAD v4.1: 21 of 1,614,088 alleles (0.0013%); highest among the groups gnomAD compares: Non-Finnish European, 0.0018%; no homozygotes.

Submissions (2):

Ambry Genetics
Classification: Uncertain significance for Inborn genetic diseases. Last evaluated: 2025-01-15. Review status: criteria provided, single submitter. Criteria: Ambry Variant Classification Scheme 2023. Collection method: clinical testing. Allele origin: germline.

Labcorp Genetics (formerly Invitae), Labcorp
Classification: Uncertain significance. Last evaluated: 2022-07-06. Review status: criteria provided, single submitter. Criteria: Invitae Variant Classification Sherloc (09022015). Collection method: clinical testing. Allele origin: germline.
Comment: This sequence change replaces tryptophan, which is neutral and slightly polar, with arginine, which is basic and polar, at codon 350 of the PDHX protein (p.Trp350Arg). This variant is present in population databases (rs139509954, gnomAD 0.004%). This variant has not been reported in the literature in individuals affected with PDHX-related conditions. Algorithms developed to predict the effect of missense changes on protein structure and function (SIFT, PolyPhen-2, Align-GVGD) all suggest that this variant is likely to be disruptive. In summary, the available evidence is currently insufficient to determine the role of this variant in disease. Therefore, it has been classified as a Variant of Uncertain Significance.

NM_003477.3(PDHX):c.1048T>C (p.Trp350Arg)

Gene: PDHX (pyruvate dehydrogenase complex component X; plus strand). Cytogenetic location: 11p13.
Variant type: single nucleotide variant.
Coding change: c.1048T>C on transcript NM_003477.3 (MANE Select); coding-DNA position 1048, T replaced by C.
Protein change: p.Trp350Arg; replaces tryptophan 350 with arginine.
Molecular consequence: missense variant.
Genome position (GRCh38, 1-based): chr11:34,984,594, T>C. VCF-style: chr11-34984594-T-C. GRCh37 (hg19) VCF-style: chr11-35006141-T-C.
Other names: c.868T>C, p.Trp290Arg (NM_001135024.2); c.367T>C, p.Trp123Arg (NM_001166158.2); c.1048T>C (NM_003477.2); short protein forms W350R, W123R, W290R.
Identifiers: ClinVar variation 2084084 (VCV002084084.2), dbSNP rs139509954, ClinGen allele CA5946090.
Genomic context (GRCh38, chr11:34,984,594, plus strand): 5'-GCTTTTTTAGTAACATTTTTCTTTTTCTATTTCTAGCAAATGCCAGATGTTAATGTAAGC[T>C]GGGATGGAGAGGGCCCAAAGCAACTGCCATTTATTGACATTTCAGTGGCTGTGGCAACAG-3'
Protein context (NP_003468.2, residues 340-360): LKQMPDVNVS[Trp350Arg]DGEGPKQLPF